The following is an entry in ClinVar:

ClinVar aggregate classification (germline): Uncertain significance. Review status: criteria provided, multiple submitters, no conflicts (2 of 4 stars). 2 submissions from 2 submitters: Uncertain significance (2). Last evaluated 2025-10-21.

Conditions:
Hereditary cancer-predisposing syndrome. Also called: Neoplastic Syndromes, Hereditary; Tumor predisposition; Hereditary Cancer Syndrome; Hereditary neoplastic syndrome. Identifiers: Orphanet 140162, MedGen C0027672, MeSH D009386, MONDO:0015356.

Submissions (2):

Ambry Genetics
Classification: Uncertain significance for Hereditary cancer-predisposing syndrome. Last evaluated: 2025-10-21. Review status: criteria provided, single submitter. Criteria: Ambry Variant Classification Scheme 2023. Collection method: clinical testing. Allele origin: germline.
Comment: The p.Q522R variant (also known as c.1565A>G), located in coding exon 15 of the POLE gene, results from an A to G substitution at nucleotide position 1565. The glutamine at codon 522 is replaced by arginine, an amino acid with highly similar properties. This amino acid position is conserved. In addition, this alteration is predicted to be tolerated by in silico analysis. Since supporting evidence is limited at this time, the clinical significance of this alteration remains unclear.

Labcorp Genetics (formerly Invitae), Labcorp
Classification: Uncertain significance. Last evaluated: 2023-10-28. Review status: criteria provided, single submitter. Criteria: Invitae Variant Classification Sherloc (09022015). Collection method: clinical testing. Allele origin: germline.
Comment: This sequence change replaces glutamine, which is neutral and polar, with arginine, which is basic and polar, at codon 522 of the POLE protein (p.Gln522Arg). This variant is not present in population databases (gnomAD no frequency). This variant has not been reported in the literature in individuals affected with POLE-related conditions. ClinVar contains an entry for this variant (Variation ID: 473469). Advanced modeling of protein sequence and biophysical properties (such as structural, functional, and spatial information, amino acid conservation, physicochemical variation, residue mobility, and thermodynamic stability) performed at Invitae indicates that this missense variant is not expected to disrupt POLE protein function with a negative predictive value of 80%. In summary, the available evidence is currently insufficient to determine the role of this variant in disease. Therefore, it has been classified as a Variant of Uncertain Significance.

NM_006231.4(POLE):c.1565A>G (p.Gln522Arg)

Gene: POLE (DNA polymerase epsilon, catalytic subunit; minus strand). Cytogenetic location: 12q24.33.
Variant type: single nucleotide variant.
Coding change: c.1565A>G on transcript NM_006231.4 (MANE Select); coding-DNA position 1565, A replaced by G.
Protein change: p.Gln522Arg; replaces glutamine 522 with arginine.
Molecular consequence: missense variant.
Genome position (GRCh38, 1-based): chr12:132,672,748, T>C on the plus strand (A>G on the coding strand, the complement: POLE is on the minus strand). VCF-style: chr12-132672748-T-C. GRCh37 (hg19) VCF-style: chr12-133249334-T-C.
Other names: c.1565A>G (NM_006231.2); short protein forms Q522R.
Identifiers: ClinVar variation 473469 (VCV000473469.13), dbSNP rs1555228312, ClinGen allele CA387357056.